The following is an entry in ClinVar:

ClinVar aggregate classification (germline): Uncertain significance (1 of 4 stars; one submission).

Submission:

Labcorp Genetics (formerly Invitae), Labcorp
Classification: Uncertain significance. Last evaluated: 2022-08-10. Review status: criteria provided, single submitter. Criteria: Invitae Variant Classification Sherloc (09022015). Collection method: clinical testing. Allele origin: germline.
Comment: This sequence change affects codon 376 of the CHUK mRNA. It is a 'silent' change, meaning that it does not change the encoded amino acid sequence of the CHUK protein. It affects a nucleotide within the consensus splice site. In summary, the available evidence is currently insufficient to determine the role of this variant in disease. Therefore, it has been classified as a Variant of Uncertain Significance. Algorithms developed to predict the effect of sequence changes on RNA splicing suggest that this variant is not likely to affect RNA splicing. ClinVar contains an entry for this variant (Variation ID: 1357266). This variant has not been reported in the literature in individuals affected with CHUK-related conditions. This variant is not present in population databases (gnomAD no frequency).

NM_001278.5(CHUK):c.1128T>C (p.Val376=)

Gene: CHUK (component of inhibitor of nuclear factor kappa B kinase complex; minus strand). Cytogenetic location: 10q24.31.
Variant type: single nucleotide variant.
Coding change: c.1128T>C on transcript NM_001278.5 (MANE Select); coding-DNA position 1128, T replaced by C.
Protein change: p.Val376=; no amino-acid change (valine 376 retained).
Molecular consequence: synonymous variant.
Genome position (GRCh38, 1-based): chr10:100,209,595, A>G on the plus strand (T>C on the coding strand, the complement: CHUK is on the minus strand). VCF-style: chr10-100209595-A-G. GRCh37 (hg19) VCF-style: chr10-101969352-A-G.
Other names: c.1128T>C, p.Val376= (NM_001320928.2).
Identifiers: ClinVar variation 1357266 (VCV001357266.6), dbSNP rs2134229242, ClinGen allele CA471151377.